The following is an entry in ClinVar:

ClinVar aggregate classification (germline): Uncertain significance (1 of 4 stars; one submission).

gnomAD v4.1: 4 of 1,605,480 alleles (0.00025%); highest among the groups gnomAD compares: Non-Finnish European, 0.00034%; no homozygotes.

Submission:

Labcorp Genetics (formerly Invitae), Labcorp
Classification: Uncertain significance. Last evaluated: 2020-12-19. Review status: criteria provided, single submitter. Criteria: Invitae Variant Classification Sherloc (09022015). Collection method: clinical testing. Allele origin: germline.
Comment: This variant is not present in population databases (ExAC no frequency). This sequence change replaces asparagine with isoleucine at codon 489 of the CCDC88A protein (p.Asn489Ile). The asparagine residue is weakly conserved and there is a large physicochemical difference between asparagine and isoleucine. In summary, the available evidence is currently insufficient to determine the role of this variant in disease. Therefore, it has been classified as a Variant of Uncertain Significance. Algorithms developed to predict the effect of missense changes on protein structure and function are either unavailable or do not agree on the potential impact of this missense change (SIFT: "Deleterious"; PolyPhen-2: "Benign"; Align-GVGD: "Class C0"). This variant has not been reported in the literature in individuals with CCDC88A-related conditions.

NM_001365480.1(CCDC88A):c.1466A>T (p.Asn489Ile)

Gene: CCDC88A (coiled-coil and HOOK domain protein 88A; minus strand). Cytogenetic location: 2p16.1.
Variant type: single nucleotide variant.
Coding change: c.1466A>T on transcript NM_001365480.1 (MANE Select); coding-DNA position 1466, A replaced by T.
Protein change: p.Asn489Ile; replaces asparagine 489 with isoleucine.
Molecular consequence: missense variant.
Genome position (GRCh38, 1-based): chr2:55,339,516, T>A on the plus strand (A>T on the coding strand, the complement: CCDC88A is on the minus strand). VCF-style: chr2-55339516-T-A. GRCh37 (hg19) VCF-style: chr2-55566652-T-A.
Other names: c.1466A>T, p.Asn489Ile (NM_001135597.2, NM_001254943.2, NM_018084.5); short protein forms N489I.
Identifiers: ClinVar variation 1395042 (VCV001395042.8), dbSNP rs745899316, ClinGen allele CA47611155.